The following is an entry in ClinVar:

ClinVar aggregate classification (germline): Uncertain significance (1 of 4 stars; one submission).

Submission:

Ambry Genetics
Classification: Uncertain significance. Last evaluated: 2023-09-25. Review status: criteria provided, single submitter. Criteria: Ambry Variant Classification Scheme 2023. Collection method: clinical testing. Allele origin: germline.
Comment: The p.F293S variant (also known as c.878T>C), located in coding exon 4 of the MNDA gene, results from a T to C substitution at nucleotide position 878. The phenylalanine at codon 293 is replaced by serine, an amino acid with highly dissimilar properties. This amino acid position is conserved. In addition, this alteration is predicted to be tolerated by in silico analysis. Since supporting evidence is limited at this time, the clinical significance of this alteration remains unclear.

NM_002432.3(MNDA):c.878T>C (p.Phe293Ser)

Gene: MNDA (myeloid cell nuclear differentiation antigen; plus strand). Cytogenetic location: 1q23.1.
Variant type: single nucleotide variant.
Coding change: c.878T>C on transcript NM_002432.3 (MANE Select); coding-DNA position 878, T replaced by C.
Protein change: p.Phe293Ser; replaces phenylalanine 293 with serine.
Molecular consequence: missense variant.
Genome position (GRCh38, 1-based): chr1:158,845,894, T>C. VCF-style: chr1-158845894-T-C. GRCh37 (hg19) VCF-style: chr1-158815684-T-C.
Other names: short protein forms F293S.
Identifiers: ClinVar variation 3222215 (VCV003222215.1), dbSNP rs2526088148, ClinGen allele CA343042112.